The following is an entry in ClinVar:

ClinVar aggregate classification (germline): Benign/Likely benign. Review status: criteria provided, multiple submitters, no conflicts (2 of 4 stars). 4 submissions from 4 submitters: Benign (1); Likely benign (2). 1 of the submissions does not count toward it. Last evaluated 2025-11-24.

Conditions:
Cardiovascular phenotype. Identifiers: MedGen CN230736.
ANK2-related disorder. Also called: ANK2-related condition.
Long QT syndrome (LQTS). Identifiers: MedGen C0023976, MeSH D008133, MONDO:0002442. Disease mechanism: loss of function. Inheritance: Various modes of inheritance.

Allele frequency attached by ClinVar (database versions not stated): gnomAD exomes 0.00009; ExAC 0.00014; 1000 Genomes Project 0.00040; gnomAD 0.00051 and 0.00046; TOPMed 0.00042; 1000 Genomes Project 30x 0.00047; ESP Exome Variant Server 0.00031.
gnomAD v4.1: 108 of 1,613,294 alleles (0.0067%); highest among the groups gnomAD compares: African/African-American, 0.13%; no homozygotes.

Submissions (4):

Labcorp Genetics (formerly Invitae), Labcorp
Classification: Likely benign for Long QT syndrome. Last evaluated: 2025-11-24. Review status: criteria provided, single submitter. Criteria: Invitae Variant Classification Sherloc (09022015). Collection method: clinical testing. Allele origin: germline.

Ambry Genetics
Classification: Benign for Cardiovascular phenotype. Last evaluated: 2022-10-24. Review status: criteria provided, single submitter. Criteria: Ambry Variant Classification Scheme 2023. Collection method: clinical testing. Allele origin: germline.

GeneDx
Classification: Likely benign. Last evaluated: 2020-09-11. Review status: criteria provided, single submitter. Criteria: GeneDx Variant Classification Process June 2021. Collection method: clinical testing. Allele origin: germline. Affected: yes.
Comment: This variant is associated with the following publications: (PMID: 23631430)

PreventionGenetics, part of Exact Sciences
Classification: Likely benign for ANK2-related condition. Last evaluated: 2022-09-28. Review status: no assertion criteria provided. Collection method: clinical testing. Allele origin: germline. Not counted in ClinVar's aggregate classification.
Comment: This variant is classified as likely benign based on ACMG/AMP sequence variant interpretation guidelines (Richards et al. 2015 PMID: 25741868, with internal and published modifications).

Literature cited by the submitters: PubMed 23631430 (cited by Ambry Genetics).

NM_001148.6(ANK2):c.130C>G (p.Leu44Val)

Gene: ANK2 (ankyrin 2; plus strand). Cytogenetic location: 4q25.
Variant type: single nucleotide variant.
Coding change: c.130C>G on transcript NM_001148.6 (MANE Select); coding-DNA position 130, C replaced by G.
Protein change: p.Leu44Val; replaces leucine 44 with valine.
Molecular consequence: missense variant.
Genome position (GRCh38, 1-based): chr4:113,174,461, C>G. VCF-style: chr4-113174461-C-G. GRCh37 (hg19) VCF-style: chr4-114095617-C-G.
Other names: c.67C>G, p.Leu23Val (NM_001127493.3, NM_001354239.2, NM_001354243.2 and 33 more transcripts); c.130C>G, p.Leu44Val (NM_001354225.2, NM_001354228.2, NM_001354232.2 and 9 more transcripts); c.175C>G, p.Leu59Val (NM_001354230.2, NM_001354231.2, NM_001354237.2 and 5 more transcripts); c.112C>G, p.Leu38Val (NM_001354261.2, NM_001386147.1, NM_001386160.1); c.118C>G, p.Leu40Val (NM_001354269.3, NM_001386148.2, NM_001386186.2 and 1 more transcripts); c.181C>G, p.Leu61Val (NM_001386174.1, NM_001386175.1); short protein forms L23V, L44V, L38V, L59V, L40V, L61V.
Identifiers: ClinVar variation 264251 (VCV000264251.17), dbSNP rs145272651, ClinGen allele CA3049938.
Genomic context (GRCh38, chr4:113,174,461, plus strand): 5'-TTATTTTTCTCGCAGTCTGACAGCAATGCAAGCTTCCTCCGTGCTGCCAGAGCAGGCAAC[C>G]TGGACAAAGTTGTGGAATATCTGAAGGGGGGCATAGACATCAATACCTGCAATCAGGTAA-3'
Protein context (NP_001139.3, residues 34-54): SFLRAARAGN[Leu44Val]DKVVEYLKGG